The following is an entry in ClinVar:

ClinVar aggregate classification (germline): Uncertain significance (1 of 4 stars; one submission).

Submission:

Labcorp Genetics (formerly Invitae), Labcorp
Classification: Uncertain significance. Last evaluated: 2025-09-27. Review status: criteria provided, single submitter. Criteria: Invitae Variant Classification Sherloc (09022015). Collection method: clinical testing. Allele origin: germline.
Comment: This sequence change replaces aspartic acid, which is acidic and polar, with glutamic acid, which is acidic and polar, at codon 836 of the CHD8 protein (p.Asp836Glu). This variant is not present in population databases (gnomAD no frequency). This variant has not been reported in the literature in individuals affected with CHD8-related conditions. Invitae Evidence Modeling of protein sequence and biophysical properties (such as structural, functional, and spatial information, amino acid conservation, physicochemical variation, residue mobility, and thermodynamic stability) indicates that this missense variant is expected to disrupt CHD8 protein function with a positive predictive value of 80%. In summary, the available evidence is currently insufficient to determine the role of this variant in disease. Therefore, it has been classified as a Variant of Uncertain Significance.

NM_001170629.2(CHD8):c.2508T>A (p.Asp836Glu)

Gene: CHD8 (chromodomain helicase DNA binding protein 8; minus strand). Cytogenetic location: 14q11.2.
Variant type: single nucleotide variant.
Coding change: c.2508T>A on transcript NM_001170629.2 (MANE Select); coding-DNA position 2508, T replaced by A.
Protein change: p.Asp836Glu; replaces aspartic acid 836 with glutamic acid.
Molecular consequence: missense variant.
Genome position (GRCh38, 1-based): chr14:21,408,534, A>T on the plus strand (T>A on the coding strand, the complement: CHD8 is on the minus strand). VCF-style: chr14-21408534-A-T. GRCh37 (hg19) VCF-style: chr14-21876693-A-T.
Other names: c.1671T>A, p.Asp557Glu (NM_020920.4); short protein forms D557E, D836E.
Identifiers: ClinVar variation 4746958 (VCV004746958.1).